The following is an entry in ClinVar:

NM_033656.4(BRWD1):c.4594G>A (p.Val1532Met)

Gene: BRWD1 (bromodomain and WD repeat domain containing 1; minus strand). Cytogenetic location: 21q22.2.
Variant type: single nucleotide variant.
Coding change: c.4594G>A on transcript NM_033656.4 (MANE Select); coding-DNA position 4594, G replaced by A.
Protein change: p.Val1532Met; replaces valine 1532 with methionine.
Molecular consequence: missense variant.
Genome position (GRCh38, 1-based): chr21:39,200,378, C>T on the plus strand (G>A on the coding strand, the complement: BRWD1 is on the minus strand). VCF-style: chr21-39200378-C-T. GRCh37 (hg19) VCF-style: chr21-40572304-C-T.
Other names: c.4594G>A, p.Val1532Met (NM_018963.5); short protein forms V1532M.
Identifiers: ClinVar variation 3037274 (VCV003037274.2), dbSNP rs78655344, ClinGen allele CA10026647.

ClinVar aggregate classification (germline): Benign (0 of 4 stars; one submission).

Conditions:
BRWD1-related disorder. Also called: BRWD1-related condition.

Allele frequency attached by ClinVar (database versions not stated): gnomAD exomes 0.00156; ExAC 0.00517; gnomAD 0.01538; ESP Exome Variant Server 0.01692; TOPMed 0.01710; 1000 Genomes Project 30x 0.01858; 1000 Genomes Project 0.01897.
gnomAD v4.1: 4,744 of 1,611,102 alleles (0.29%); highest among the groups gnomAD compares: African/African-American, 5.3%; 112 homozygotes.

Submission:

PreventionGenetics, part of Exact Sciences
Classification: Benign for BRWD1-related condition. Last evaluated: 2019-03-08. Review status: no assertion criteria provided. Collection method: clinical testing. Allele origin: germline.
Comment: This variant is classified as benign based on ACMG/AMP sequence variant interpretation guidelines (Richards et al. 2015 PMID: 25741868, with internal and published modifications).